The following is an entry in ClinVar:

NM_000368.5(TSC1):c.3246C>T (p.Pro1082=)

Gene: TSC1 (TSC complex subunit 1; minus strand). Cytogenetic location: 9q34.13.
Variant type: single nucleotide variant.
Coding change: c.3246C>T on transcript NM_000368.5 (MANE Select); coding-DNA position 3246, C replaced by T.
Protein change: p.Pro1082=; no amino-acid change (proline 1082 retained).
Molecular consequence: synonymous variant.
Genome position (GRCh38, 1-based): chr9:132,896,484, G>A on the plus strand (C>T on the coding strand, the complement: TSC1 is on the minus strand). VCF-style: chr9-132896484-G-A. GRCh37 (hg19) VCF-style: chr9-135771871-G-A.
Other names: c.3243C>T, p.Pro1081= (NM_001162426.2); c.3093C>T, p.Pro1031= (NM_001162427.2); c.2883C>T, p.Pro961= (NM_001362177.2).
Identifiers: ClinVar variation 1150859 (VCV001150859.13), dbSNP rs2131599043, ClinGen allele CA467813327.

ClinVar aggregate classification (germline): Benign/Likely benign. Review status: criteria provided, multiple submitters, no conflicts (2 of 4 stars). 4 submissions from 4 submitters: Benign (1); Likely benign (3). Last evaluated 2025-04-30.

Conditions:
Hereditary cancer-predisposing syndrome. Also called: Hereditary Cancer Syndrome; Hereditary neoplastic syndrome; Neoplastic Syndromes, Hereditary; Tumor predisposition. Identifiers: Orphanet 140162, MedGen C0027672, MeSH D009386, MONDO:0015356.
Tuberous sclerosis 1 (TSC1). Identifiers: Orphanet 805, MedGen C1854465, MONDO:0008612, OMIM 191100.

Submissions (4):

Myriad Genetics, Inc.
Classification: Benign for Tuberous sclerosis 1. Last evaluated: 2025-04-30. Review status: criteria provided, single submitter. Criteria: Myriad Autosomal Dominant, Autosomal Recessive and X-Linked Classification Criteria (2023). Collection method: clinical testing. Allele origin: unknown.
Comment: This variant is considered benign. This variant is a silent/synonymous amino acid change and it is not expected to impact splicing.

Labcorp Genetics (formerly Invitae), Labcorp
Classification: Likely benign for Tuberous sclerosis 1. Last evaluated: 2022-05-21. Review status: criteria provided, single submitter. Criteria: Invitae Variant Classification Sherloc (09022015). Collection method: clinical testing. Allele origin: germline.

Sema4
Classification: Likely benign for Hereditary cancer-predisposing syndrome. Last evaluated: 2022-01-25. Review status: criteria provided, single submitter. Criteria: Sema4 Curation Guidelines. Collection method: curation. Allele origin: germline.

Ambry Genetics
Classification: Likely benign for Hereditary cancer-predisposing syndrome. Last evaluated: 2021-05-21. Review status: criteria provided, single submitter. Criteria: Ambry Variant Classification Scheme 2023. Collection method: clinical testing. Allele origin: germline.